The following is an entry in ClinVar:

NM_001083962.2(TCF4):c.1238del (p.Gly413fs)

Gene: TCF4 (transcription factor 4; minus strand). Cytogenetic location: 18q21.2.
Variant type: Deletion.
Coding change: c.1238del on transcript NM_001083962.2 (MANE Select); coding-DNA position 1238, one base deleted (G; older notation c.1238delG).
Protein change: p.Gly413fs; shifts the reading frame from glycine 413.
Molecular consequence: frameshift variant.
Genome position (GRCh38, 1-based): chr18:55,254,609, C deleted on the plus strand (G on the coding strand, the reverse complement: TCF4 is on the minus strand); the first of 2 consecutive C bases (chr18:55,254,609-55,254,610); deleting either gives the same sequence. VCF-style (leftmost placement, unchanged base first): chr18-55254608-AC-A. GRCh37 (hg19) VCF-style: chr18-52921839-AC-A.
Other names: c.758del, p.Gly253fs (NM_001243234.2, NM_001243235.2, NM_001243236.2 and 1 more transcripts); c.1166del, p.Gly389fs (NM_001306207.1, NM_001348217.1, NM_001348218.2 and 5 more transcripts); c.1025del, p.Gly342fs (NM_001306208.1, NM_001243232.1); c.1235del, p.Gly412fs (NM_001330604.3, NM_001369569.1, NM_001369570.1 and 2 more transcripts); c.848del, p.Gly283fs (NM_001330605.3, NM_001348212.2, NM_001348213.2 and 1 more transcripts); c.1112del, p.Gly371fs (NM_001348211.2, NM_001243231.2); c.755del, p.Gly252fs (NM_001348214.2); c.590del, p.Gly197fs (NM_001348215.2); and 6 more; short protein forms G197fs, G252fs, G253fs, G283fs, G342fs, G371fs, G388fs, G389fs.
Identifiers: ClinVar variation 2629738 (VCV002629738.1), dbSNP rs2512111219, ClinGen allele CA2504182762.

ClinVar aggregate classification (germline): Pathogenic (1 of 4 stars; one submission).

Conditions:
TCF4-related disorder. Also called: TCF4-related condition.

Submission:

PreventionGenetics, part of Exact Sciences
Classification: Pathogenic for TCF4-related condition. Last evaluated: 2022-12-20. Review status: criteria provided, single submitter. Criteria: ACMG Guidelines, 2015. Collection method: clinical testing. Allele origin: germline.
Comment: The TCF4 c.1238delG variant is predicted to result in a frameshift and premature protein termination (p.Gly413Valfs*49). This variant was reported in heterozygous state in an individual with Pitt-Hopkins syndrome (Whalen et al. 2012. PubMed ID: 22045651). This variant has not been reported in a large population database, indicating this variant is rare. Frameshift variants in TCF4 are expected to be pathogenic. This variant is interpreted as pathogenic.